The following is an entry in ClinVar:

ClinVar aggregate classification (germline): Uncertain significance (1 of 4 stars; one submission).

Conditions:
Cardiovascular phenotype. Identifiers: MedGen CN230736.

Submission:

Ambry Genetics
Classification: Uncertain significance for Cardiovascular phenotype. Last evaluated: 2022-06-22. Review status: criteria provided, single submitter. Criteria: Ambry Variant Classification Scheme 2023. Collection method: clinical testing. Allele origin: germline.
Comment: The p.I3770N variant (also known as c.11309T>A), located in coding exon 26 of the APOB gene, results from a T to A substitution at nucleotide position 11309. The isoleucine at codon 3770 is replaced by asparagine, an amino acid with dissimilar properties. This amino acid position is conserved. In addition, this alteration is predicted to be tolerated by in silico analysis. Since supporting evidence is limited at this time, the clinical significance of this alteration remains unclear.

NM_000384.3(APOB):c.11309T>A (p.Ile3770Asn)

Gene: APOB (apolipoprotein B; minus strand). Cytogenetic location: 2p24.1.
Variant type: single nucleotide variant.
Coding change: c.11309T>A on transcript NM_000384.3 (MANE Select); coding-DNA position 11309, T replaced by A.
Protein change: p.Ile3770Asn; replaces isoleucine 3770 with asparagine.
Molecular consequence: missense variant.
Genome position (GRCh38, 1-based): chr2:21,005,559, A>T on the plus strand (T>A on the coding strand, the complement: APOB is on the minus strand). VCF-style: chr2-21005559-A-T. GRCh37 (hg19) VCF-style: chr2-21228431-A-T.
Other names: short protein forms I3770N.
Identifiers: ClinVar variation 1728109 (VCV001728109.2), dbSNP rs199954127, ClinGen allele CA345979897.
Genomic context (GRCh38, chr2:21,005,559, plus strand): 5'-TTTACCTCGGGGAGTGTTGGTAGGTTGAGGGCAAATGATGAAGTTCTCAGCTTCTTATAG[A>T]TTTGTATTTCTCTGAAGTCAAGTTTGCACGATGGAACCTGAAGATCTGTAAATGGGACAT-3'
Protein context (NP_000375.3, residues 3760-3780): SCKLDFREIQ[Ile3770Asn]YKKLRTSSFA